The following is an entry in ClinVar:

NM_005076.5(CNTN2):c.1572C>A (p.Asp524Glu)

Gene: CNTN2 (contactin 2; plus strand). Cytogenetic location: 1q32.1.
Variant type: single nucleotide variant.
Coding change: c.1572C>A on transcript NM_005076.5 (MANE Select); coding-DNA position 1572, C replaced by A.
Protein change: p.Asp524Glu; replaces aspartic acid 524 with glutamic acid.
Molecular consequence: missense variant. On other transcripts: non-coding transcript variant (1).
Genome position (GRCh38, 1-based): chr1:205,065,139, C>A. VCF-style: chr1-205065139-C-A. GRCh37 (hg19) VCF-style: chr1-205034267-C-A.
Other names: c.1572C>A, p.Asp524Glu (NM_001346083.2); c.1572C>A (NM_005076.3); short protein forms D524E.
Identifiers: ClinVar variation 1055775 (VCV001055775.7), dbSNP rs148062265, ClinGen allele CA1351423.

ClinVar aggregate classification (germline): Uncertain significance. Review status: criteria provided, multiple submitters, no conflicts (2 of 4 stars). 2 submissions from 2 submitters: Uncertain significance (2). Last evaluated 2024-11-15.

Conditions:
Epilepsy, familial adult myoclonic, 5 (EPEO5). Also called: CORTICAL MYOCLONIC TREMOR WITH EPILEPSY, FAMILIAL, 5. Identifiers: Orphanet 86814, MedGen C3809374, MONDO:0014167, OMIM 615400.

Allele frequency attached by ClinVar (database versions not stated): gnomAD 0.00004 and 0.00005; TOPMed 0.00007; gnomAD exomes 0.00015; ExAC 0.00021; ESP Exome Variant Server 0.00023.
gnomAD v4.1: 180 of 1,614,044 alleles (0.011%); highest among the groups gnomAD compares: Non-Finnish European, 0.014%; no homozygotes.

Submissions (2):

Ambry Genetics
Classification: Uncertain significance. Last evaluated: 2024-11-15. Review status: criteria provided, single submitter. Criteria: Ambry Variant Classification Scheme 2023. Collection method: clinical testing. Allele origin: germline.

Labcorp Genetics (formerly Invitae), Labcorp
Classification: Uncertain significance for Epilepsy, familial adult myoclonic, 5. Last evaluated: 2022-02-03. Review status: criteria provided, single submitter. Criteria: Invitae Variant Classification Sherloc (09022015). Collection method: clinical testing. Allele origin: germline.
Comment: This sequence change replaces aspartic acid, which is acidic and polar, with glutamic acid, which is acidic and polar, at codon 524 of the CNTN2 protein (p.Asp524Glu). This variant is present in population databases (rs148062265, gnomAD 0.03%). This variant has not been reported in the literature in individuals affected with CNTN2-related conditions. ClinVar contains an entry for this variant (Variation ID: 1055775). Advanced modeling of protein sequence and biophysical properties (such as structural, functional, and spatial information, amino acid conservation, physicochemical variation, residue mobility, and thermodynamic stability) performed at Invitae indicates that this missense variant is not expected to disrupt CNTN2 protein function. In summary, the available evidence is currently insufficient to determine the role of this variant in disease. Therefore, it has been classified as a Variant of Uncertain Significance.